The following is an entry in ClinVar:

NM_182961.4(SYNE1):c.16237-2A>G

Gene: SYNE1 (spectrin repeat containing nuclear envelope protein 1; minus strand). Cytogenetic location: 6q25.2.
Variant type: single nucleotide variant.
Coding change: c.16237-2A>G on transcript NM_182961.4 (MANE Select); the canonical splice acceptor site of the intron before coding-DNA position 16237, A replaced by G.
Molecular consequence: splice acceptor variant.
Genome position (GRCh38, 1-based): chr6:152,319,017, T>C on the plus strand (A>G on the coding strand, the complement: SYNE1 is on the minus strand). VCF-style: chr6-152319017-T-C. GRCh37 (hg19) VCF-style: chr6-152640152-T-C.
Other names: c.16024-2A>G (NM_033071.5).
Identifiers: ClinVar variation 1497490 (VCV001497490.6), dbSNP rs2153903647, ClinGen allele CA366113939.
Genomic context (GRCh38, chr6:152,319,017, plus strand): 5'-CGGCTGAGTTCCTGGCTCGTGGCCTTGCTCTGCTCAACTTCTTTTATTTTGTCTTGGATC[T>C]AAAAAAATCAGTAAGAACAGCAAAACAAGCCATGGTTAAAAGTGAATAATAGATACTAAA-3'

ClinVar aggregate classification (germline): Likely pathogenic (1 of 4 stars; one submission).

Conditions:
Autosomal recessive ataxia, Beauce type. Also called: SYNE1-Related Autosomal Recessive Cerebellar Ataxia; Spinocerebellar ataxia, autosomal recessive 8; ATAXIA, RECESSIVE, OF BEAUCE; SYNE1 Deficiency. Identifiers: Orphanet 88644, MedGen C1853116, MONDO:0012549, OMIM 610743.
Emery-Dreifuss muscular dystrophy 4, autosomal dominant (EDMD4). Also called: EMERY-DREIFUSS MUSCULAR DYSTROPHY 4 WITH VARIABLE FEATURES. Identifiers: Orphanet 261, MedGen C2751807, MONDO:0013071, OMIM 612998.

Submission:

Labcorp Genetics (formerly Invitae), Labcorp
Classification: Likely pathogenic for Emery-Dreifuss muscular dystrophy 4, autosomal dominant; Autosomal recessive ataxia, Beauce type. Last evaluated: 2022-10-17. Review status: criteria provided, single submitter. Criteria: Invitae Variant Classification Sherloc (09022015). Collection method: clinical testing. Allele origin: germline.
Comment: In summary, the currently available evidence indicates that the variant is pathogenic, but additional data are needed to prove that conclusively. Therefore, this variant has been classified as Likely Pathogenic. Algorithms developed to predict the effect of sequence changes on RNA splicing suggest that this variant may disrupt the consensus splice site. ClinVar contains an entry for this variant (Variation ID: 1497490). This variant has not been reported in the literature in individuals affected with SYNE1-related conditions. This variant is not present in population databases (gnomAD no frequency). This sequence change affects an acceptor splice site in intron 83 of the SYNE1 gene. It is expected to disrupt RNA splicing. Variants that disrupt the donor or acceptor splice site typically lead to a loss of protein function (PMID: 16199547), and loss-of-function variants in SYNE1 are known to be pathogenic (PMID: 19542096, 24319099, 27086870).

Literature cited by the submitters: PubMed 16199547; PubMed 19542096; PubMed 24319099; PubMed 27086870.